The following is an entry in ClinVar:

ClinVar aggregate classification (germline): Uncertain significance (1 of 4 stars; one submission).

Conditions:
Multiple endocrine neoplasia, type 1 (MEN1). Also called: MEN I; WERMER SYNDROME; Endocrine adenomatosis multiple; MEN 1; MEA I. Identifiers: Orphanet 652, MedGen C0025267, MeSH D018761, MONDO:0007540, OMIM 131100.

Submission:

Labcorp Genetics (formerly Invitae), Labcorp
Classification: Uncertain significance for Multiple endocrine neoplasia, type 1. Last evaluated: 2024-05-22. Review status: criteria provided, single submitter. Criteria: Invitae Variant Classification Sherloc (09022015). Collection method: clinical testing. Allele origin: germline.
Comment: This sequence change replaces arginine, which is basic and polar, with serine, which is neutral and polar, at codon 229 of the MEN1 protein (p.Arg229Ser). This variant is not present in population databases (gnomAD no frequency). This variant has not been reported in the literature in individuals affected with MEN1-related conditions. ClinVar contains an entry for this variant (Variation ID: 1055768). Advanced modeling of protein sequence and biophysical properties (such as structural, functional, and spatial information, amino acid conservation, physicochemical variation, residue mobility, and thermodynamic stability) performed at Invitae indicates that this missense variant is expected to disrupt MEN1 protein function with a positive predictive value of 95%. In summary, the available evidence is currently insufficient to determine the role of this variant in disease. Therefore, it has been classified as a Variant of Uncertain Significance.

NM_001370259.2(MEN1):c.685C>A (p.Arg229Ser)

Gene: MEN1 (menin 1; minus strand). Cytogenetic location: 11q13.1.
Variant type: single nucleotide variant.
Coding change: c.685C>A on transcript NM_001370259.2 (MANE Select); coding-DNA position 685, C replaced by A.
Protein change: p.Arg229Ser; replaces arginine 229 with serine.
Molecular consequence: missense variant.
Genome position (GRCh38, 1-based): chr11:64,807,650, G>T on the plus strand (C>A on the coding strand, the complement: MEN1 is on the minus strand). VCF-style: chr11-64807650-G-T. GRCh37 (hg19) VCF-style: chr11-64575122-G-T.
Other names: c.700C>A, p.Arg234Ser (NM_000244.4, NM_130800.3, NM_130801.3 and 3 more transcripts); c.685C>A, p.Arg229Ser (NM_001370251.2, NM_001370260.2, NM_001370261.2 and 1 more transcripts); c.580C>A, p.Arg194Ser (NM_001370262.2, NM_001370263.2); short protein forms R194S, R229S, R234S.
Identifiers: ClinVar variation 1055768 (VCV001055768.9), dbSNP rs754378887, ClinGen allele CA381184665.